The following is an entry in ClinVar:

NM_000289.6(PFKM):c.237+1G>C

Gene: PFKM (phosphofructokinase, muscle; plus strand). Cytogenetic location: 12q13.11.
Variant type: single nucleotide variant.
Coding change: c.237+1G>C on transcript NM_000289.6 (MANE Select); the canonical splice donor site of the intron after coding-DNA position 237, G replaced by C.
Molecular consequence: splice donor variant.
Genome position (GRCh38, 1-based): chr12:48,131,394, G>C. VCF-style: chr12-48131394-G-C. GRCh37 (hg19) VCF-style: chr12-48525177-G-C.
Other names: c.261+1G>C (NM_001354741.2); c.237+1G>C (NM_001354742.2, NM_001354743.2, NM_001354744.2 and 4 more transcripts); c.87+1G>C (NM_001354747.2, NM_001354748.2); c.450+1G>C (NM_001166686.2, NM_001354737.1, NM_001354739.1 and 1 more transcripts); c.546+1G>C (NM_001354736.1, NM_001354735.1); c.381+1G>C (NM_001354740.1); c.150+1G>C (NM_001354745.2).
Identifiers: ClinVar variation 1453463 (VCV001453463.8), dbSNP rs202143236, ClinGen allele CA384539750.

ClinVar aggregate classification (germline): Pathogenic (1 of 4 stars; one submission).

Conditions:
Glycogen storage disease, type VII (GSD7). Also called: MUSCLE PHOSPHOFRUCTOKINASE DEFICIENCY; PFKM DEFICIENCY; TARUI DISEASE; GSD VII. Identifiers: Orphanet 371, MedGen C0017926, MONDO:0009295, OMIM 232800.

Submission:

Labcorp Genetics (formerly Invitae), Labcorp
Classification: Pathogenic for Glycogen storage disease, type VII. Last evaluated: 2021-04-10. Review status: criteria provided, single submitter. Criteria: Invitae Variant Classification Sherloc (09022015). Collection method: clinical testing. Allele origin: germline.
Comment: For these reasons, this variant has been classified as Pathogenic. Studies have shown that disruption of this splice site is associated with skipping of exon 4 (also known as exon 5) but is expected to preserve the integrity of the reading frame (PMID:8444874). Disruption of this splice site has been observed in individual(s) with glycogen storage disease (PMID: 8444874, 8037209). This variant is not present in population databases (ExAC no frequency). This sequence change affects a donor splice site in intron 4 of the PFKM gene. RNA analysis indicates that this variant induces altered splicing and likely results in a shortened protein product.

Literature cited by the submitters: PubMed 8444874; PubMed 8037209.